The following is an entry in ClinVar:

ClinVar aggregate classification (germline): Uncertain significance (1 of 4 stars; one submission).

Conditions:
Episodic ataxia type 2 (EA2). Also called: ATAXIA, EPISODIC, WITH NYSTAGMUS; ATAXIA, FAMILIAL PAROXYSMAL; CEREBELLAR ATAXIA, PAROXYSMAL, ACETAZOLAMIDE-RESPONSIVE; CEREBELLOPATHY, HEREDITARY PAROXYSMAL; ACETAZOLAMIDE-RESPONSIVE HEREDITARY PAROXYSMAL CEREBELLAR ATAXIA; EPISODIC ATAXIA, NYSTAGMUS-ASSOCIATED. Identifiers: Orphanet 97, MedGen C1720416, MONDO:0007163, OMIM 108500.
Developmental and epileptic encephalopathy, 42 (DEE42A). Also called: Epileptic encephalopathy, early infantile, 42; DEVELOPMENTAL AND EPILEPTIC ENCEPHALOPATHY 42A; EPILEPTIC ENCEPHALOPATHY, EARLY INFANTILE, 42A. Identifiers: MedGen C4310716, MONDO:0014917, OMIM 617106.

Allele frequency attached by ClinVar (database versions not stated): gnomAD exomes below 0.00001.
gnomAD v4.1: 2 of 1,613,670 alleles (0.00012%); highest among the groups gnomAD compares: Non-Finnish European, 0.00017%; no homozygotes.

Submission:

Labcorp Genetics (formerly Invitae), Labcorp
Classification: Uncertain significance for Developmental and epileptic encephalopathy, 42; Episodic ataxia type 2. Last evaluated: 2023-07-21. Review status: criteria provided, single submitter. Criteria: Invitae Variant Classification Sherloc (09022015). Collection method: clinical testing. Allele origin: germline.
Comment: In summary, the available evidence is currently insufficient to determine the role of this variant in disease. Therefore, it has been classified as a Variant of Uncertain Significance. Advanced modeling of protein sequence and biophysical properties (such as structural, functional, and spatial information, amino acid conservation, physicochemical variation, residue mobility, and thermodynamic stability) performed at Invitae indicates that this missense variant is expected to disrupt CACNA1A protein function. ClinVar contains an entry for this variant (Variation ID: 2030957). This variant has not been reported in the literature in individuals affected with CACNA1A-related conditions. This variant is not present in population databases (gnomAD no frequency). This sequence change replaces glutamic acid, which is acidic and polar, with glutamine, which is neutral and polar, at codon 731 of the CACNA1A protein (p.Glu731Gln).

NM_001127222.2(CACNA1A):c.2188G>C (p.Glu730Gln)

Gene: CACNA1A (calcium voltage-gated channel subunit alpha1 A; minus strand). Cytogenetic location: 19p13.13.
Variant type: single nucleotide variant.
Coding change: c.2188G>C on transcript NM_001127222.2 (MANE Select); coding-DNA position 2188, G replaced by C.
Protein change: p.Glu730Gln; replaces glutamic acid 730 with glutamine.
Molecular consequence: missense variant.
Genome position (GRCh38, 1-based): chr19:13,300,641, C>G on the plus strand (G>C on the coding strand, the complement: CACNA1A is on the minus strand). VCF-style: chr19-13300641-C-G. GRCh37 (hg19) VCF-style: chr19-13411455-C-G.
Other names: c.2200G>C, p.Glu734Gln (NM_000068.4, NM_023035.3); c.2191G>C, p.Glu731Gln (NM_001127221.2, NM_001174080.2); short protein forms E734Q, E731Q, E730Q.
Identifiers: ClinVar variation 2030957 (VCV002030957.4), dbSNP rs2512918631, ClinGen allele CA404344024.
Genomic context (GRCh38, chr19:13,300,641, plus strand): 5'-GACTCACTTCTGCCACCTCCTTGGCTTTCTGTAGGGCAAGTTTCTGGTTCGCTGCTTCTT[C>G]TTCCTCTTGCTCGTCCTAAAAGGCACGTGGAATCTTTGTTCACAAAACATGAACTAGGCC-3'
Protein context (NP_001120694.1, residues 720-740): QELTKDEQEE[Glu730Gln]EAANQKLALQ